The following is an entry in ClinVar:

NM_015488.5(PNKD):c.237-16514T>A

Gene: PNKD (PNKD metallo-beta-lactamase domain containing; plus strand). Cytogenetic location: 2q35.
Variant type: single nucleotide variant.
Coding change: c.237-16514T>A on transcript NM_015488.5 (MANE Select); 16514 bases into the intron before coding-DNA position 237, T replaced by A.
Molecular consequence: intron variant. On other transcripts: missense variant (1).
Genome position (GRCh38, 1-based): chr2:218,323,269, T>A. VCF-style: chr2-218323269-T-A. GRCh37 (hg19) VCF-style: chr2-219187992-T-A.
Other names: c.2T>A, p.Met1Lys (NM_022572.5); short protein forms M1K.
Identifiers: ClinVar variation 930368 (VCV000930368.6), dbSNP rs776565425, ClinGen allele CA2103804.

ClinVar aggregate classification (germline): Uncertain significance (1 of 4 stars; one submission).

Conditions:
Paroxysmal nonkinesigenic dyskinesia 1 (PNKD1). Also called: PxMD-PNKD; MOUNT-REBACK SYNDROME; PAROXYSMAL DYSTONIC CHOREOATHETOSIS; Familial Paroxysmal Nonkinesigenic Dyskinesia; Nonkinesigenic choreoathetosis; Familial paroxysmal choreoathetosis. Identifiers: Orphanet 98810, MedGen C4551506, MONDO:0700089, OMIM 118800, MONDO:0007326.

Allele frequency attached by ClinVar (database versions not stated): TOPMed 0.00011; gnomAD 0.00026 and 0.00027; gnomAD exomes 0.00036; ExAC 0.00094.
gnomAD v4.1: 491 of 1,520,290 alleles (0.032%); highest among the groups gnomAD compares: South Asian, 0.11%; no homozygotes.

Submission:

Centre for Mendelian Genomics, University Medical Centre Ljubljana
Classification: Uncertain significance for Paroxysmal nonkinesigenic dyskinesia 1. Last evaluated: 2019-01-28. Review status: criteria provided, single submitter. Criteria: ACMG Guidelines, 2015. Collection method: clinical testing. Allele origin: unknown. Affected: yes.
Comment: This variant was classified as: Uncertain significance. The available evidence on this variant's pathogenicity is insufficient or conflicting. The following ACMG criteria were applied in classifying this variant: No criteria apply.